The following is an entry in ClinVar:

ClinVar aggregate classification (germline): Uncertain significance. Review status: criteria provided, multiple submitters, no conflicts (2 of 4 stars). 2 submissions from 2 submitters: Uncertain significance (2). Last evaluated 2025-08-12.

Conditions:
Inborn genetic diseases. Identifiers: MedGen C0950123, MeSH D030342.

Submissions (2):

Ambry Genetics
Classification: Uncertain significance for Inborn genetic diseases. Last evaluated: 2025-08-12. Review status: criteria provided, single submitter. Criteria: Ambry Variant Classification Scheme 2023. Collection method: clinical testing. Allele origin: germline.

GeneDx
Classification: Uncertain significance. Last evaluated: 2023-01-11. Review status: criteria provided, single submitter. Criteria: GeneDx Variant Classification Process June 2021. Collection method: clinical testing. Allele origin: germline. Affected: yes.
Comment: Not observed at significant frequency in large population cohorts (gnomAD); In silico analysis supports that this missense variant does not alter protein structure/function; Has not been previously published as pathogenic or benign to our knowledge

NM_001291415.2(KDM6A):c.2845C>G (p.Leu949Val)

Gene: KDM6A (lysine demethylase 6A; plus strand). Cytogenetic location: Xp11.3.
Variant type: single nucleotide variant.
Coding change: c.2845C>G on transcript NM_001291415.2 (MANE Select); coding-DNA position 2845, C replaced by G.
Protein change: p.Leu949Val; replaces leucine 949 with valine.
Molecular consequence: missense variant. On other transcripts: non-coding transcript variant (1).
Genome position (GRCh38, 1-based): chrX:45,070,344, C>G. VCF-style: chrX-45070344-C-G. GRCh37 (hg19) VCF-style: chrX-44929589-C-G.
Other names: c.2743C>G, p.Leu915Val (NM_001419813.1, NM_001419810.1); c.2587C>G, p.Leu863Val (NM_001419814.1, NM_001410742.1); c.2452C>G, p.Leu818Val (NM_001419815.1, NM_001291418.2); c.2689C>G, p.Leu897Val (NM_021140.4, NM_001419812.1); c.2710C>G, p.Leu904Val (NM_001291416.2, NM_001419811.1); c.2554C>G, p.Leu852Val (NM_001291417.2); c.1801C>G, p.Leu601Val (NM_001291421.2); c.2845C>G, p.Leu949Val (NM_001419809.1); short protein forms L601V, L818V, L852V, L863V, L897V, L904V, L915V, L949V.
Identifiers: ClinVar variation 2572855 (VCV002572855.2), dbSNP rs2044761424, ClinGen allele CA412796276.